The following is an entry in ClinVar:

ClinVar aggregate classification (germline): Uncertain significance (1 of 4 stars; one submission).

Submission:

GeneDx
Classification: Uncertain significance. Last evaluated: 2023-08-04. Review status: criteria provided, single submitter. Criteria: GeneDx Variant Classification Process June 2021. Collection method: clinical testing. Allele origin: germline. Affected: yes.
Comment: Not observed at significant frequency in large population cohorts (gnomAD); In silico analysis supports that this missense variant has a deleterious effect on protein structure/function; Has not been previously published as pathogenic or benign to our knowledge

NM_021005.4(NR2F2):c.1121C>T (p.Ser374Phe)

Gene: NR2F2 (nuclear receptor subfamily 2 group F member 2; plus strand). Cytogenetic location: 15q26.2.
Variant type: single nucleotide variant.
Coding change: c.1121C>T on transcript NM_021005.4 (MANE Select); coding-DNA position 1121, C replaced by T.
Protein change: p.Ser374Phe; replaces serine 374 with phenylalanine.
Molecular consequence: missense variant.
Genome position (GRCh38, 1-based): chr15:96,337,498, C>T. VCF-style: chr15-96337498-C-T. GRCh37 (hg19) VCF-style: chr15-96880727-C-T.
Other names: c.722C>T, p.Ser241Phe (NM_001145155.2); c.662C>T, p.Ser221Phe (NM_001145156.1, NM_001145157.2); short protein forms S221F, S241F, S374F.
Identifiers: ClinVar variation 3361735 (VCV003361735.1).